The following is an entry in ClinVar:

ClinVar aggregate classification (germline): Likely benign. Review status: reviewed by expert panel (3 of 4 stars). 2 submissions from 2 submitters: Likely benign (1). 1 of the submissions does not count toward it. Last evaluated 2017-06-29.

Conditions:
Breast-ovarian cancer, familial, susceptibility to, 2 (BROVCA2). Also called: BRCA2 Hereditary Breast and Ovarian Cancer. Identifiers: Orphanet 145, MedGen C2675520, MONDO:0012933, OMIM 612555. Disease mechanism: loss of function.

Allele frequency attached by ClinVar (database versions not stated): gnomAD exomes below 0.00001.
gnomAD v4.1: 1 of 1,562,412 alleles (0.000064%); highest among the groups gnomAD compares: South Asian, 0.0012%; no homozygotes.

Submissions (2):

Evidence-based Network for the Interpretation of Germline Mutant Alleles (ENIGMA)
Classification: Likely benign for Breast-ovarian cancer, familial, susceptibility to, 2. Last evaluated: 2017-06-29. Review status: reviewed by expert panel. Criteria: ENIGMA BRCA1/2 Classification Criteria (2017-06-29). Collection method: curation. Allele origin: germline.
Comment: Synonymous substitution variant, with low bioinformatic likelihood to result in a splicing aberration (Splicing prior probability 0.02).

Breast Cancer Information Core (BIC) (BRCA2)
Classification: Uncertain significance for Breast-ovarian cancer, familial 2. Last evaluated: 2000-06-12. Review status: no assertion criteria provided. Collection method: clinical testing. Allele origin: germline. Affected: yes. Observed: 1 variant allele. Not counted in ClinVar's aggregate classification.

NM_000059.4(BRCA2):c.3909C>A (p.Gly1303=)

Gene: BRCA2 (BRCA2 DNA repair associated; plus strand). Cytogenetic location: 13q13.1.
Variant type: single nucleotide variant.
Coding change: c.3909C>A on transcript NM_000059.4 (MANE Select); coding-DNA position 3909, C replaced by A.
Protein change: p.Gly1303=; no amino-acid change (glycine 1303 retained).
Molecular consequence: synonymous variant.
Genome position (GRCh38, 1-based): chr13:32,338,264, C>A. VCF-style: chr13-32338264-C-A. GRCh37 (hg19) VCF-style: chr13-32912401-C-A.
Other names: 4137C/A.
Identifiers: ClinVar variation 51559 (VCV000051559.3), dbSNP rs80359786, ClinGen allele CA019132.